The following is an entry in ClinVar:

NM_001182.5(ALDH7A1):c.955C>A (p.Leu319Ile)

Gene: ALDH7A1 (aldehyde dehydrogenase 7 family member A1; minus strand). Cytogenetic location: 5q23.2.
Variant type: single nucleotide variant.
Coding change: c.955C>A on transcript NM_001182.5 (MANE Select); coding-DNA position 955, C replaced by A.
Protein change: p.Leu319Ile; replaces leucine 319 with isoleucine.
Molecular consequence: missense variant.
Genome position (GRCh38, 1-based): chr5:126,559,293, G>T on the plus strand (C>A on the coding strand, the complement: ALDH7A1 is on the minus strand). VCF-style: chr5-126559293-G-T. GRCh37 (hg19) VCF-style: chr5-125894985-G-T.
Other names: c.871C>A, p.Leu291Ile (NM_001201377.2); c.955C>A, p.Leu319Ile (NM_001202404.2); c.955C>A (NM_001182.4); short protein forms L291I, L319I.
Identifiers: ClinVar variation 1418536 (VCV001418536.6), dbSNP rs775830338, ClinGen allele CA360726755.

ClinVar aggregate classification (germline): Uncertain significance. Review status: criteria provided, multiple submitters, no conflicts (2 of 4 stars). 2 submissions from 2 submitters: Uncertain significance (2). Last evaluated 2023-12-09.

Conditions:
Pyridoxine-dependent epilepsy (EPEO4). Also called: Pyridoxine-Dependent Epilepsy - ALDH7A1; PYRIDOXINE DEPENDENCY WITH SEIZURES; EPILEPSY, EARLY-ONSET, 4, VITAMIN B6-DEPENDENT; Pyridoxine-Dependent Seizures. Identifiers: Orphanet 3006, MedGen C1849508, MONDO:0009945, OMIM 266100. Disease mechanism: loss of function.
Inborn genetic diseases. Identifiers: MedGen C0950123, MeSH D030342.

Allele frequency attached by ClinVar (database versions not stated): TOPMed below 0.00001.

Submissions (2):

Ambry Genetics
Classification: Uncertain significance for Inborn genetic diseases. Last evaluated: 2023-12-09. Review status: criteria provided, single submitter. Criteria: Ambry Variant Classification Scheme 2023. Collection method: clinical testing. Allele origin: germline.

Labcorp Genetics (formerly Invitae), Labcorp
Classification: Uncertain significance for Pyridoxine-dependent epilepsy. Last evaluated: 2021-08-31. Review status: criteria provided, single submitter. Criteria: Invitae Variant Classification Sherloc (09022015). Collection method: clinical testing. Allele origin: germline.
Comment: This sequence change replaces leucine with isoleucine at codon 319 of the ALDH7A1 protein (p.Leu319Ile). The leucine residue is moderately conserved and there is a small physicochemical difference between leucine and isoleucine. This variant is not present in population databases (ExAC no frequency). This variant has not been reported in the literature in individuals affected with ALDH7A1-related conditions. Algorithms developed to predict the effect of missense changes on protein structure and function (SIFT, PolyPhen-2, Align-GVGD) all suggest that this variant is likely to be tolerated. In summary, the available evidence is currently insufficient to determine the role of this variant in disease. Therefore, it has been classified as a Variant of Uncertain Significance.